The following is an entry in ClinVar:

NM_006623.4(PHGDH):c.467T>C (p.Ile156Thr)

Gene: PHGDH (phosphoglycerate dehydrogenase; plus strand). Cytogenetic location: 1p12.
Variant type: single nucleotide variant.
Coding change: c.467T>C on transcript NM_006623.4 (MANE Select); coding-DNA position 467, T replaced by C.
Protein change: p.Ile156Thr; replaces isoleucine 156 with threonine.
Molecular consequence: missense variant.
Genome position (GRCh38, 1-based): chr1:119,727,059, T>C. VCF-style: chr1-119727059-T-C. GRCh37 (hg19) VCF-style: chr1-120269682-T-C.
Other names: short protein forms I156T.
Identifiers: ClinVar variation 5006962 (VCV005006962.2).

ClinVar aggregate classification (germline): Uncertain significance (1 of 4 stars; one submission).

Conditions:
Neu-Laxova syndrome 1 (NLS1). Identifiers: Orphanet 2671, Orphanet 583607, MedGen C4551478, MONDO:0009736, OMIM 256520. Disease mechanism: loss of function.
PHGDH deficiency. Identifiers: Orphanet 79351, MedGen C1866174, MONDO:0011152, OMIM 601815.

gnomAD v4.1: 21 of 1,613,146 alleles (0.0013%); highest among the groups gnomAD compares: Admixed American, 0.0017%; no homozygotes.

Submission:

Juno Genomics, Hangzhou Juno Genomics, Inc
Classification: Uncertain significance for Neu-Laxova syndrome 1; PHGDH deficiency. Review status: criteria provided, single submitter. Criteria: ACMG Guidelines, 2015. Collection method: clinical testing. Allele origin: germline.
Comment: Absent from controls (or at extremely low frequency if recessive) in Genome Aggregation Database.;Multiple lines of computational evidence support a deleterious effect on the gene or gene product.